The following is an entry in ClinVar:

ClinVar aggregate classification (germline): Uncertain significance (1 of 4 stars; one submission).

Allele frequency attached by ClinVar (database versions not stated): ExAC 0.00001; gnomAD exomes 0.00001.

Submission:

Labcorp Genetics (formerly Invitae), Labcorp
Classification: Uncertain significance. Last evaluated: 2022-04-29. Review status: criteria provided, single submitter. Criteria: Invitae Variant Classification Sherloc (09022015). Collection method: clinical testing. Allele origin: germline.
Comment: This sequence change replaces arginine, which is basic and polar, with lysine, which is basic and polar, at codon 405 of the LIPH protein (p.Arg405Lys). This variant is present in population databases (rs765917900, gnomAD 0.0009%). This variant has not been reported in the literature in individuals affected with LIPH-related conditions. Algorithms developed to predict the effect of missense changes on protein structure and function output the following: SIFT: "Tolerated"; PolyPhen-2: "Benign"; Align-GVGD: "Class C0". The lysine amino acid residue is found in multiple mammalian species, which suggests that this missense change does not adversely affect protein function. Algorithms developed to predict the effect of sequence changes on RNA splicing suggest that this variant may disrupt the consensus splice site. In summary, the available evidence is currently insufficient to determine the role of this variant in disease. Therefore, it has been classified as a Variant of Uncertain Significance.

NM_139248.3(LIPH):c.1214G>A (p.Arg405Lys)

Gene: LIPH (lipase H; minus strand). Cytogenetic location: 3q27.2.
Variant type: single nucleotide variant.
Coding change: c.1214G>A on transcript NM_139248.3 (MANE Select); coding-DNA position 1214, G replaced by A.
Protein change: p.Arg405Lys; replaces arginine 405 with lysine.
Molecular consequence: missense variant.
Genome position (GRCh38, 1-based): chr3:185,511,578, C>T on the plus strand (G>A on the coding strand, the complement: LIPH is on the minus strand). VCF-style: chr3-185511578-C-T. GRCh37 (hg19) VCF-style: chr3-185229366-C-T.
Other names: short protein forms R405K.
Identifiers: ClinVar variation 2128415 (VCV002128415.4), dbSNP rs765917900, ClinGen allele CA2740373.